The following is an entry in ClinVar:

ClinVar aggregate classification (germline): Uncertain significance (1 of 4 stars; one submission).

Conditions:
Hereditary pancreatitis (PCTT). Also called: Hereditary chronic pancreatitis; PRSS1-Related Hereditary Pancreatitis. Identifiers: Orphanet 676, MedGen C0238339, MONDO:0008185, OMIM 167800.

Allele frequency attached by ClinVar (database versions not stated): gnomAD exomes below 0.00001; ExAC 0.00001.

Submission:

Labcorp Genetics (formerly Invitae), Labcorp
Classification: Uncertain significance for Hereditary pancreatitis. Last evaluated: 2022-05-04. Review status: criteria provided, single submitter. Criteria: Invitae Variant Classification Sherloc (09022015). Collection method: clinical testing. Allele origin: germline.
Comment: In summary, the available evidence is currently insufficient to determine the role of this variant in disease. Therefore, it has been classified as a Variant of Uncertain Significance. Algorithms developed to predict the effect of missense changes on protein structure and function are either unavailable or do not agree on the potential impact of this missense change (SIFT: "Deleterious"; PolyPhen-2: "Benign"; Align-GVGD: "Class C0"). ClinVar contains an entry for this variant (Variation ID: 528771). This missense change has been observed in individual(s) with pancreatitis (PMID: 27409067). This variant is present in population databases (rs752651686, gnomAD 0.006%). This sequence change replaces glutamine, which is neutral and polar, with histidine, which is basic and polar, at codon 223 of the CTRC protein (p.Gln223His).

Literature cited by the submitters: PubMed 27409067.

NM_007272.3(CTRC):c.669G>C (p.Gln223His)

Gene: CTRC (chymotrypsin C; plus strand). Cytogenetic location: 1p36.21.
Variant type: single nucleotide variant.
Coding change: c.669G>C on transcript NM_007272.3 (MANE Select); coding-DNA position 669, G replaced by C.
Protein change: p.Gln223His; replaces glutamine 223 with histidine.
Molecular consequence: missense variant.
Genome position (GRCh38, 1-based): chr1:15,445,626, G>C. VCF-style: chr1-15445626-G-C. GRCh37 (hg19) VCF-style: chr1-15772121-G-C.
Other names: short protein forms Q223H.
Identifiers: ClinVar variation 528771 (VCV000528771.9), dbSNP rs752651686, ClinGen allele CA613438.